The following is an entry in ClinVar:

NM_015338.6(ASXL1):c.1810T>C (p.Ser604Pro)

Gene: ASXL1 (ASXL transcriptional regulator 1; plus strand). Cytogenetic location: 20q11.21.
Variant type: single nucleotide variant.
Coding change: c.1810T>C on transcript NM_015338.6 (MANE Select); coding-DNA position 1810, T replaced by C.
Protein change: p.Ser604Pro; replaces serine 604 with proline.
Molecular consequence: missense variant.
Genome position (GRCh38, 1-based): chr20:32,434,522, T>C. VCF-style: chr20-32434522-T-C. GRCh37 (hg19) VCF-style: chr20-31022325-T-C.
Other names: c.1627T>C, p.Ser543Pro (NM_001363734.1); short protein forms S543P, S604P.
Identifiers: ClinVar variation 4843673 (VCV004843673.1).

ClinVar aggregate classification (germline): Uncertain significance (1 of 4 stars; one submission).

Conditions:
Inborn genetic diseases. Identifiers: MedGen C0950123, MeSH D030342.

Submission:

Ambry Genetics
Classification: Uncertain significance for Inborn genetic diseases. Last evaluated: 2026-01-13. Review status: criteria provided, single submitter. Criteria: Ambry Variant Classification Scheme 2023. Collection method: clinical testing. Allele origin: germline.
Comment: The p.S604P variant (also known as c.1810T>C), located in coding exon 13 of the ASXL1 gene, results from a T to C substitution at nucleotide position 1810. The serine at codon 604 is replaced by proline, an amino acid with similar properties. This amino acid position is conserved. In addition, the in silico prediction for this alteration is inconclusive. Based on the available evidence, the clinical significance of this variant remains unclear.